The following is an entry in ClinVar:

NM_017780.4(CHD7):c.*1116C>G

Gene: CHD7 (chromodomain helicase DNA binding protein 7; plus strand). Cytogenetic location: 8q12.2.
Variant type: single nucleotide variant.
Coding change: c.*1116C>G on transcript NM_017780.4 (MANE Select); 1116 bases downstream of the stop codon, C replaced by G.
Molecular consequence: 3 prime UTR variant.
Genome position (GRCh38, 1-based): chr8:60,867,049, C>G. VCF-style: chr8-60867049-C-G. GRCh37 (hg19) VCF-style: chr8-61779608-C-G.
Other names: c.*1116C>G (NM_001316690.1).
Identifiers: ClinVar variation 911937 (VCV000911937.33), dbSNP rs45504193, ClinGen allele CA177330686.
Genomic context (GRCh38, chr8:60,867,049, plus strand): 5'-TTTTGTACAGTTTCTTGATATATCCTCTTATACTAGATTAGCTTTTGGTAAGACACTAAA[C>G]TGTCTCGAAGACTAGACAGGAAGGAAAACCTTGAATTACTCTCACATAATTCCACTCCAG-3'

ClinVar aggregate classification (germline): Conflicting classifications of pathogenicity. Review status: criteria provided, conflicting classifications (1 of 4 stars). 2 submissions from 2 submitters: Uncertain significance (1); Likely benign (1). Last evaluated 2023-02-01.

Conditions:
Hypogonadotropic hypogonadism 5 with or without anosmia (KAL5). Also called: CHD7-Related GnRH Deficiency (Kallmann Syndrome 5); HYPOGONADOTROPIC HYPOGONADISM 5 WITH ANOSMIA; HYPOGONADOTROPHIC HYPOGONADISM 5 WITHOUT ANOSMIA. Identifiers: Orphanet 478, MedGen C3552553, MONDO:0012880, OMIM 612370. Disease mechanism: loss of function.

Allele frequency attached by ClinVar (database versions not stated): 1000 Genomes Project 0.00040; 1000 Genomes Project 30x 0.00047; gnomAD 0.00107 and 0.00117; TOPMed 0.00137.

Submissions (2):

CeGaT Center for Human Genetics Tuebingen
Classification: Likely benign. Last evaluated: 2023-02-01. Review status: criteria provided, single submitter. Criteria: CeGaT Center For Human Genetics Tuebingen Variant Classification Criteria Version 2. Collection method: clinical testing. Allele origin: germline. Affected: yes. Observed: 3 variant alleles.
Comment: CHD7: BS1

Illumina Laboratory Services, Illumina
Classification: Uncertain significance for Kallmann Syndrome 5. Last evaluated: 2018-01-12. Review status: criteria provided, single submitter. Criteria: ICSL Variant Classification Criteria 13 December 2019. Collection method: clinical testing. Allele origin: germline.